The following is an entry in ClinVar:

NM_020843.4(SCAPER):c.3925A>T (p.Ser1309Cys)

Gene: SCAPER (S-phase cyclin A associated protein in the ER; minus strand). Cytogenetic location: 15q24.3.
Variant type: single nucleotide variant.
Coding change: c.3925A>T on transcript NM_020843.4 (MANE Select); coding-DNA position 3925, A replaced by T.
Protein change: p.Ser1309Cys; replaces serine 1309 with cysteine.
Molecular consequence: missense variant. On other transcripts: non-coding transcript variant (1).
Genome position (GRCh38, 1-based): chr15:76,354,071, T>A on the plus strand (A>T on the coding strand, the complement: SCAPER is on the minus strand). VCF-style: chr15-76354071-T-A. GRCh37 (hg19) VCF-style: chr15-76646412-T-A.
Other names: c.3187A>T, p.Ser1063Cys (NM_001145923.2); c.3943A>T, p.Ser1315Cys (NM_001353009.2); c.3523A>T, p.Ser1175Cys (NM_001353010.2, NM_001353012.2); c.3541A>T, p.Ser1181Cys (NM_001353011.2); short protein forms S1175C, S1063C, S1181C, S1309C, S1315C.
Identifiers: ClinVar variation 4977503 (VCV004977503.1).

ClinVar aggregate classification (germline): Uncertain significance (1 of 4 stars; one submission).

Conditions:
SCAPER-related disorder. Also called: SCAPER-related condition.

gnomAD v4.1: 10 of 1,611,444 alleles (0.00062%); highest among the groups gnomAD compares: Admixed American, 0.017%; no homozygotes.

Submission:

PreventionGenetics, part of Exact Sciences
Classification: Uncertain significance for SCAPER-related condition. Last evaluated: 2025-05-10. Review status: criteria provided, single submitter. Criteria: ACMG Guidelines, 2015. Collection method: clinical testing. Allele origin: germline.
Comment: The SCAPER c.3943A>T variant is predicted to result in the amino acid substitution p.Ser1315Cys. To our knowledge, this variant has not been reported in the literature. This variant is reported in 0.021% of alleles in individuals of Latino descent in gnomAD. At this time, the clinical significance of this variant is uncertain due to the absence of conclusive functional and genetic evidence.